The following is an entry in ClinVar:

NM_001458.5(FLNC):c.4059_4060del (p.Arg1354fs)

Gene: FLNC (filamin C; plus strand). Cytogenetic location: 7q32.1.
Variant type: Deletion.
Coding change: c.4059_4060del on transcript NM_001458.5 (MANE Select); coding-DNA positions 4059 to 4060, 2 bases deleted (CC; older notation c.4059_4060delCC).
Protein change: p.Arg1354fs; shifts the reading frame from arginine 1354.
Molecular consequence: frameshift variant.
Genome position (GRCh38, 1-based): chr7:128,846,395-128,846,396, CC deleted. VCF-style (leftmost placement, unchanged base first): chr7-128846394-TCC-T. GRCh37 (hg19) VCF-style: chr7-128486448-TCC-T.
Other names: c.4059_4060del, p.Arg1354fs (NM_001127487.2); short protein forms R1354fs.
Identifiers: ClinVar variation 2000070 (VCV002000070.6), dbSNP rs2536642250, ClinGen allele CA2580076643.
Genomic context (GRCh38, chr7:128,846,394, plus strand): 5'-TCGCTGTGCCCAAGAGCCCCTTCCGAGTGGGCGTGACCGAGGGCTGTGATCCCACCCGCG[TCC>T]GAGCCTTCGGGCCAGGCCTGGAGGGTGGCTTGGTCAACAAGGCCAACCGATTCACTGTGG-3'

ClinVar aggregate classification (germline): Pathogenic. Review status: criteria provided, multiple submitters, no conflicts (2 of 4 stars). 2 submissions from 2 submitters: Pathogenic (2). Last evaluated 2023-08-02.

Conditions:
Cardiovascular phenotype. Identifiers: MedGen CN230736.
Distal myopathy with posterior leg and anterior hand involvement. Also called: WILLIAMS DISTAL MYOPATHY. Identifiers: Orphanet 63273, MedGen C3279722, MONDO:0013550, OMIM 614065.
Myofibrillar myopathy 5. Also called: Filaminopathy (type); FILAMINOPATHY, AUTOSOMAL DOMINANT. Identifiers: Orphanet 171445, MedGen C1836050, MONDO:0012289, OMIM 609524.
Hypertrophic cardiomyopathy 26. Also called: Cardiomyopathy, familial hypertrophic, 26. Identifiers: Orphanet 75249, MedGen C4310749, MONDO:0014883, OMIM 617047.

Submissions (2):

Labcorp Genetics (formerly Invitae), Labcorp
Classification: Pathogenic for Distal myopathy with posterior leg and anterior hand involvement; Myofibrillar myopathy 5; Hypertrophic cardiomyopathy 26. Last evaluated: 2023-08-02. Review status: criteria provided, single submitter. Criteria: Invitae Variant Classification Sherloc (09022015). Collection method: clinical testing. Allele origin: germline.
Comment: For these reasons, this variant has been classified as Pathogenic. ClinVar contains an entry for this variant (Variation ID: 2000070). This variant has not been reported in the literature in individuals affected with FLNC-related conditions. This variant is not present in population databases (gnomAD no frequency). This sequence change creates a premature translational stop signal (p.Arg1354Serfs*50) in the FLNC gene. It is expected to result in an absent or disrupted protein product. Loss-of-function variants in FLNC are known to be pathogenic (PMID: 27908349).

Ambry Genetics
Classification: Pathogenic for Cardiovascular phenotype. Last evaluated: 2023-03-31. Review status: criteria provided, single submitter. Criteria: Ambry Variant Classification Scheme 2023. Collection method: clinical testing. Allele origin: germline.
Comment: The c.4059_4060delCC pathogenic mutation, located in coding exon 23 of the FLNC gene, results from a deletion of two nucleotides at nucleotide positions 4059 to 4060, causing a translational frameshift with a predicted alternate stop codon (p.R1354Sfs*50). This variant is considered to be rare based on population cohorts in the Genome Aggregation Database (gnomAD). This alteration is expected to result in loss of function by premature protein truncation or nonsense-mediated mRNA decay. Based on the supporting evidence, this variant is expected to be causative of FLNC-related dilated cardiomyopathy; however, its clinical significance for FLNC-related hypertrophic/restrictive cardiomyopathy and/or skeletal myopathy is unclear.

Literature cited by the submitters: PubMed 27908349 (cited by Labcorp Genetics (formerly Invitae), Labcorp).